The following is an entry in ClinVar:

NM_001010888.4(ZC3H12B):c.152T>C (p.Leu51Pro)

Gene: ZC3H12B (zinc finger CCCH-type containing 12B; plus strand). Cytogenetic location: Xq12.
Variant type: single nucleotide variant.
Coding change: c.152T>C on transcript NM_001010888.4 (MANE Select); coding-DNA position 152, T replaced by C.
Protein change: p.Leu51Pro; replaces leucine 51 with proline.
Molecular consequence: missense variant.
Genome position (GRCh38, 1-based): chrX:65,488,953, T>C. VCF-style: chrX-65488953-T-C. GRCh37 (hg19) VCF-style: chrX-64708833-T-C.
Other names: short protein forms L51P.
Identifiers: ClinVar variation 2060691 (VCV002060691.2), dbSNP rs199856860, ClinGen allele CA10433544.

ClinVar aggregate classification (germline): Uncertain significance. Review status: criteria provided, multiple submitters, no conflicts (2 of 4 stars). 2 submissions from 2 submitters: Uncertain significance (2). Last evaluated 2024-01-30.

Allele frequency attached by ClinVar (database versions not stated): ExAC 0.00045; ESP Exome Variant Server 0.00049; TOPMed 0.00053; gnomAD 0.00062; gnomAD exomes 0.00112.

Submissions (2):

Ambry Genetics
Classification: Uncertain significance. Last evaluated: 2024-01-30. Review status: criteria provided, single submitter. Criteria: Ambry Variant Classification Scheme 2023. Collection method: clinical testing. Allele origin: germline.

Labcorp Genetics (formerly Invitae), Labcorp
Classification: Uncertain significance. Last evaluated: 2020-12-17. Review status: criteria provided, single submitter. Criteria: Invitae Variant Classification Sherloc (09022015). Collection method: clinical testing. Allele origin: germline.
Comment: This sequence change replaces leucine with proline at codon 51 of the ZC3H12B protein (p.Leu51Pro). The leucine residue is weakly conserved and there is a moderate physicochemical difference between leucine and proline. This variant is present in population databases (rs199856860, ExAC 0.08%). This variant has not been reported in the literature in individuals with ZC3H12B-related disease. Algorithms developed to predict the effect of missense changes on protein structure and function (SIFT, PolyPhen-2, Align-GVGD) all suggest that this variant is likely to be tolerated, but these predictions have not been confirmed by published functional studies and their clinical significance is uncertain. In summary, the available evidence is currently insufficient to determine the role of this variant in disease. Therefore, it has been classified as a Variant of Uncertain Significance.